The following is an entry in ClinVar:

ClinVar aggregate classification (germline): Likely benign. Review status: criteria provided, multiple submitters, no conflicts (2 of 4 stars). 2 submissions from 2 submitters: Likely benign (2). Last evaluated 2024-04-22.

Conditions:
Wilms tumor 1 (WT1). Also called: Wilms tumor, somatic. Identifiers: Orphanet 654, MedGen CN033288, MONDO:0008679, OMIM 194070.

Allele frequency attached by ClinVar (database versions not stated): gnomAD exomes 0.00001 and below 0.00001; TOPMed below 0.00001.
gnomAD v4.1: 5 of 1,210,365 alleles (0.00041%); highest among the groups gnomAD compares: Non-Finnish European, 0.00056%; no homozygotes.

Submissions (2):

Labcorp Genetics (formerly Invitae), Labcorp
Classification: Likely benign for Wilms tumor 1. Last evaluated: 2024-04-22. Review status: criteria provided, single submitter. Criteria: Invitae Variant Classification Sherloc (09022015). Collection method: clinical testing. Allele origin: germline.

CeGaT Center for Human Genetics Tuebingen
Classification: Likely benign. Last evaluated: 2023-08-01. Review status: criteria provided, single submitter. Criteria: CeGaT Center For Human Genetics Tuebingen Variant Classification Criteria Version 2. Collection method: clinical testing. Allele origin: germline. Affected: yes. Observed: 1 variant allele.
Comment: GPC3: BP4, BP7

NM_004484.4(GPC3):c.1437C>G (p.Pro479=)

Gene: GPC3 (glypican 3; minus strand). Cytogenetic location: Xq26.2.
Variant type: single nucleotide variant.
Coding change: c.1437C>G on transcript NM_004484.4 (MANE Select); coding-DNA position 1437, C replaced by G.
Protein change: p.Pro479=; no amino-acid change (proline 479 retained).
Molecular consequence: synonymous variant.
Genome position (GRCh38, 1-based): chrX:133,596,576, G>C on the plus strand (C>G on the coding strand, the complement: GPC3 is on the minus strand). VCF-style: chrX-133596576-G-C. GRCh37 (hg19) VCF-style: chrX-132730604-G-C.
Other names: c.1506C>G, p.Pro502= (NM_001164617.2); c.1389C>G, p.Pro463= (NM_001164618.2); c.1275C>G, p.Pro425= (NM_001164619.2).
Identifiers: ClinVar variation 711226 (VCV000711226.32), dbSNP rs1337307928, ClinGen allele CA518633804.